The following is an entry in ClinVar:

NM_000978.4(RPL23):c.313A>G (p.Ile105Val)

Gene: RPL23 (ribosomal protein L23; minus strand). Cytogenetic location: 17q12.
Variant type: single nucleotide variant.
Coding change: c.313A>G on transcript NM_000978.4 (MANE Select); coding-DNA position 313, A replaced by G.
Protein change: p.Ile105Val; replaces isoleucine 105 with valine.
Molecular consequence: missense variant.
Genome position (GRCh38, 1-based): chr17:38,850,389, T>C on the plus strand (A>G on the coding strand, the complement: RPL23 is on the minus strand). VCF-style: chr17-38850389-T-C. GRCh37 (hg19) VCF-style: chr17-37006642-T-C.
Other names: short protein forms I105V.
Identifiers: ClinVar variation 3683753 (VCV003683753.2).

ClinVar aggregate classification (germline): Uncertain significance (1 of 4 stars; one submission).

gnomAD v4.1: 2 of 1,613,862 alleles (0.00012%); highest among the groups gnomAD compares: Non-Finnish European, 0.00017%; no homozygotes.

Submission:

Labcorp Genetics (formerly Invitae), Labcorp
Classification: Uncertain significance. Last evaluated: 2024-04-22. Review status: criteria provided, single submitter. Criteria: Invitae Variant Classification Sherloc (09022015). Collection method: clinical testing. Allele origin: germline.
Comment: This sequence change replaces isoleucine, which is neutral and non-polar, with valine, which is neutral and non-polar, at codon 105 of the RPL23 protein (p.Ile105Val). This variant is not present in population databases (gnomAD no frequency). This variant has not been reported in the literature in individuals affected with RPL23-related conditions. An algorithm developed to predict the effect of missense changes on protein structure and function (PolyPhen-2) suggests that this variant is likely to be tolerated. In summary, the available evidence is currently insufficient to determine the role of this variant in disease. Therefore, it has been classified as a Variant of Uncertain Significance.